The following is an entry in ClinVar:

NM_001690.4(ATP6V1A):c.425G>C (p.Arg142Pro)

Gene: ATP6V1A (ATPase H+ transporting V1 subunit A; plus strand). Cytogenetic location: 3q13.31.
Variant type: single nucleotide variant.
Coding change: c.425G>C on transcript NM_001690.4 (MANE Select); coding-DNA position 425, G replaced by C.
Protein change: p.Arg142Pro; replaces arginine 142 with proline.
Molecular consequence: missense variant.
Genome position (GRCh38, 1-based): chr3:113,784,437, G>C. VCF-style: chr3-113784437-G-C. GRCh37 (hg19) VCF-style: chr3-113503284-G-C.
Other names: short protein forms R142P.
Identifiers: ClinVar variation 4178590 (VCV004178590.2).

ClinVar aggregate classification (germline): Uncertain significance. Review status: criteria provided, multiple submitters, no conflicts (2 of 4 stars). 2 submissions from 2 submitters: Uncertain significance (2). Last evaluated 2025-09-09.

Conditions:
Inborn genetic diseases. Identifiers: MedGen C0950123, MeSH D030342.

gnomAD v4.1: 1 of 1,603,388 alleles (0.000062%); no homozygotes.

Submissions (2):

Ambry Genetics
Classification: Uncertain significance for Inborn genetic diseases. Last evaluated: 2025-09-09. Review status: criteria provided, single submitter. Criteria: Ambry Variant Classification Scheme 2023. Collection method: clinical testing. Allele origin: germline.

Labcorp Genetics (formerly Invitae), Labcorp
Classification: Uncertain significance. Last evaluated: 2025-05-18. Review status: criteria provided, single submitter. Criteria: Invitae Variant Classification Sherloc (09022015). Collection method: clinical testing. Allele origin: germline.
Comment: This sequence change replaces arginine, which is basic and polar, with proline, which is neutral and non-polar, at codon 142 of the ATP6V1A protein (p.Arg142Pro). This variant is present in population databases (no rsID available, gnomAD 0.002%). This variant has not been reported in the literature in individuals affected with ATP6V1A-related conditions. An algorithm developed to predict the effect of missense changes on protein structure and function (PolyPhen-2) suggests that this variant is likely to be disruptive. In summary, the available evidence is currently insufficient to determine the role of this variant in disease. Therefore, it has been classified as a Variant of Uncertain Significance.